The following is an entry in ClinVar:

ClinVar aggregate classification (germline): Uncertain significance. Review status: criteria provided, multiple submitters, no conflicts (2 of 4 stars). 3 submissions from 3 submitters: Uncertain significance (3). Last evaluated 2025-08-25.

Conditions:
Emery-Dreifuss muscular dystrophy 5, autosomal dominant (EDMD5). Also called: EMERY-DREIFUSS MUSCULAR DYSTROPHY 5. Identifiers: Orphanet 261, MedGen C2751805, MONDO:0013072, OMIM 612999.

Allele frequency attached by ClinVar (database versions not stated): gnomAD exomes 0.00001; TOPMed 0.00001.
gnomAD v4.1: 13 of 1,613,016 alleles (0.00081%); highest among the groups gnomAD compares: Non-Finnish European, 0.0011%; no homozygotes.

Submissions (3):

Ambry Genetics
Classification: Uncertain significance. Last evaluated: 2025-08-25. Review status: criteria provided, single submitter. Criteria: Ambry Variant Classification Scheme 2023. Collection method: clinical testing. Allele origin: germline.

Labcorp Genetics (formerly Invitae), Labcorp
Classification: Uncertain significance for Emery-Dreifuss muscular dystrophy 5, autosomal dominant. Last evaluated: 2022-07-29. Review status: criteria provided, single submitter. Criteria: Invitae Variant Classification Sherloc (09022015). Collection method: clinical testing. Allele origin: germline.
Comment: This sequence change replaces tyrosine, which is neutral and polar, with cysteine, which is neutral and slightly polar, at codon 487 of the SYNE2 protein (p.Tyr487Cys). This variant is present in population databases (no rsID available, gnomAD 0.0009%). This variant has not been reported in the literature in individuals affected with SYNE2-related conditions. Algorithms developed to predict the effect of missense changes on protein structure and function are either unavailable or do not agree on the potential impact of this missense change (SIFT: "Tolerated"; PolyPhen-2: "Possibly Damaging"; Align-GVGD: "Class C0"). In summary, the available evidence is currently insufficient to determine the role of this variant in disease. Therefore, it has been classified as a Variant of Uncertain Significance.

Revvity Omics, Revvity
Classification: Uncertain significance for Emery-Dreifuss muscular dystrophy 5, autosomal dominant. Last evaluated: 2019-08-30. Review status: criteria provided, single submitter. Criteria: ACMG Guidelines, 2015. Collection method: clinical testing. Allele origin: germline.

NM_182914.3(SYNE2):c.1460A>G (p.Tyr487Cys)

Gene: SYNE2 (spectrin repeat containing nuclear envelope protein 2; plus strand). Cytogenetic location: 14q23.2.
Variant type: single nucleotide variant.
Coding change: c.1460A>G on transcript NM_182914.3 (MANE Select); coding-DNA position 1460, A replaced by G.
Protein change: p.Tyr487Cys; replaces tyrosine 487 with cysteine.
Molecular consequence: missense variant.
Genome position (GRCh38, 1-based): chr14:63,978,905, A>G. VCF-style: chr14-63978905-A-G. GRCh37 (hg19) VCF-style: chr14-64445623-A-G.
Other names: c.1460A>G (NM_182914.2); c.1460A>G, p.Tyr487Cys (NM_015180.6); short protein forms Y487C.
Identifiers: ClinVar variation 2081255 (VCV002081255.8), dbSNP rs1263971922, ClinGen allele CA389956985.